The following is an entry in ClinVar:

NM_000540.3(RYR1):c.1077_1078inv (p.Ala360Thr)

Gene: RYR1 (ryanodine receptor 1; plus strand). Cytogenetic location: 19q13.2.
Variant type: Inversion.
Coding change: c.1077_1078inv on transcript NM_000540.3 (MANE Select).
Protein change: p.Ala360Thr; replaces alanine 360 with threonine.
Molecular consequence: missense variant.
Genome position: GRCh38 VCF-style: chr19-38448768-TG-CA. GRCh37 (hg19) VCF-style: chr19-38939408-TG-CA.
Other names: c.1077_1078inv, p.Ala360Thr (NM_001042723.2); c.1077_1078delinsCA (NM_000540.3); short protein forms A360T.
Identifiers: ClinVar variation 4756292 (VCV004756292.1).

ClinVar aggregate classification (germline): Uncertain significance (1 of 4 stars; one submission).

Conditions:
Malignant hyperthermia, susceptibility to, 1 (MHS1). Also called: RYR1-Related Malignant Hyperthermia Susceptibility; Malignant hyperthermia suceptibility 1; Anesthesia related hyperthermia; Malignant hyperpyrexia; Fulminating hyperpyrexia; Pharmacogenic myopathy. Identifiers: Orphanet 423, MedGen C2930980, MONDO:0007783, OMIM 145600.

Submission:

Color Diagnostics, LLC DBA Color Health
Classification: Uncertain significance for Malignant hyperthermia, susceptibility to, 1. Last evaluated: 2025-08-26. Review status: criteria provided, single submitter. Criteria: ACMG Guidelines, 2015. Collection method: clinical testing. Allele origin: germline.
Comment: This missense variant replaces alanine with threonine at codon 360 of the RYR1 protein. To our knowledge, functional studies have not been reported for this variant. This variant has not been reported in individuals affected with RYR1-related disorders in the literature. This variant has not been identified in the general population by the Genome Aggregation Database (gnomAD). The available evidence is insufficient to determine the role of this variant in disease conclusively. Therefore, this variant is classified as a Variant of Uncertain Significance.